The following is an entry in ClinVar:

ClinVar aggregate classification (germline): Uncertain significance (1 of 4 stars; one submission).

Conditions:
CHARGE syndrome (CHARGE). Also called: Hittner Hirsch Kreh syndrome; CHARGE ASSOCIATION--COLOBOMA, HEART ANOMALY, CHOANAL ATRESIA, RETARDATION, GENITAL AND EAR ANOMALIES; Coloboma, heart anomaly, choanal atresia, retardation, genital and ear anomalies; CHARGE association; Hall-Hittner syndrome. Identifiers: Orphanet 138, MedGen C0265354, MONDO:0008965.

gnomAD v4.1: 31 of 1,613,298 alleles (0.0019%); highest among the groups gnomAD compares: South Asian, 0.032%; 1 homozygote.

Submission:

Labcorp Genetics (formerly Invitae), Labcorp
Classification: Uncertain significance for CHARGE syndrome. Last evaluated: 2022-09-20. Review status: criteria provided, single submitter. Criteria: Invitae Variant Classification Sherloc (09022015). Collection method: clinical testing. Allele origin: germline.
Comment: This variant is present in population databases (rs774036972, gnomAD 0.04%). In summary, the available evidence is currently insufficient to determine the role of this variant in disease. Therefore, it has been classified as a Variant of Uncertain Significance. Advanced modeling of protein sequence and biophysical properties (such as structural, functional, and spatial information, amino acid conservation, physicochemical variation, residue mobility, and thermodynamic stability) performed at Invitae indicates that this missense variant is expected to disrupt SEMA3E protein function. This variant has not been reported in the literature in individuals affected with SEMA3E-related conditions. This sequence change replaces asparagine, which is neutral and polar, with isoleucine, which is neutral and non-polar, at codon 236 of the SEMA3E protein (p.Asn236Ile).

NM_012431.3(SEMA3E):c.707A>T (p.Asn236Ile)

Gene: SEMA3E (semaphorin 3E; minus strand). Cytogenetic location: 7q21.11.
Variant type: single nucleotide variant.
Coding change: c.707A>T on transcript NM_012431.3 (MANE Select); coding-DNA position 707, A replaced by T.
Protein change: p.Asn236Ile; replaces asparagine 236 with isoleucine.
Molecular consequence: missense variant.
Genome position (GRCh38, 1-based): chr7:83,407,203, T>A on the plus strand (A>T on the coding strand, the complement: SEMA3E is on the minus strand). VCF-style: chr7-83407203-T-A. GRCh37 (hg19) VCF-style: chr7-83036519-T-A.
Other names: c.527A>T, p.Asn176Ile (NM_001178129.2); short protein forms N176I, N236I.
Identifiers: ClinVar variation 2143316 (VCV002143316.4), dbSNP rs774036972, ClinGen allele CA4322235.